The following is an entry in ClinVar:

ClinVar aggregate classification (germline): Uncertain significance. Review status: criteria provided, multiple submitters, no conflicts (2 of 4 stars). 2 submissions from 2 submitters: Uncertain significance (2). Last evaluated 2024-02-17.

Conditions:
Long QT syndrome (LQTS). Identifiers: MedGen C0023976, MeSH D008133, MONDO:0002442. Disease mechanism: loss of function. Inheritance: Various modes of inheritance.

Allele frequency attached by ClinVar (database versions not stated): TOPMed below 0.00001.

Submissions (2):

Labcorp Genetics (formerly Invitae), Labcorp
Classification: Uncertain significance for Long QT syndrome. Last evaluated: 2024-02-17. Review status: criteria provided, single submitter. Criteria: Invitae Variant Classification Sherloc (09022015). Collection method: clinical testing. Allele origin: germline.
Comment: This sequence change replaces lysine, which is basic and polar, with threonine, which is neutral and polar, at codon 196 of the KCNQ1 protein (p.Lys196Thr). This variant is not present in population databases (gnomAD no frequency). This variant has not been reported in the literature in individuals affected with KCNQ1-related conditions. ClinVar contains an entry for this variant (Variation ID: 200816). Advanced modeling of protein sequence and biophysical properties (such as structural, functional, and spatial information, amino acid conservation, physicochemical variation, residue mobility, and thermodynamic stability) performed at Invitae indicates that this missense variant is expected to disrupt KCNQ1 protein function with a positive predictive value of 95%. Experimental studies have shown that this missense change affects KCNQ1 function (PMID: 29532034, 30571187). In summary, the available evidence is currently insufficient to determine the role of this variant in disease. Therefore, it has been classified as a Variant of Uncertain Significance.

GeneDx
Classification: Uncertain significance. Last evaluated: 2020-07-09. Review status: criteria provided, single submitter. Criteria: GeneDx Variant Classification Process June 2021. Collection method: clinical testing. Allele origin: germline. Affected: yes.
Comment: Not observed in large population cohorts (Lek et al., 2016); In silico analysis supports that this missense variant has a deleterious effect on protein structure/function; Functional studies suggest that K196T may impact channel function(Vanoye et al., 2018; Huang et al., 2018); nevertheless, it is unclear how these studies may translate to a pathogenic role in vivo; This variant is associated with the following publications: (PMID: 29532034, 30571187)

Literature cited by the submitters: PubMed 29532034 (cited by Labcorp Genetics (formerly Invitae), Labcorp); PubMed 30571187 (cited by Labcorp Genetics (formerly Invitae), Labcorp).

NM_000218.3(KCNQ1):c.587A>C (p.Lys196Thr)

Gene: KCNQ1 (potassium voltage-gated channel subfamily Q member 1; plus strand). Cytogenetic location: 11p15.5.
Variant type: single nucleotide variant.
Coding change: c.587A>C on transcript NM_000218.3 (MANE Select); coding-DNA position 587, A replaced by C.
Protein change: p.Lys196Thr; replaces lysine 196 with threonine.
Molecular consequence: missense variant.
Genome position (GRCh38, 1-based): chr11:2,570,737, A>C. VCF-style: chr11-2570737-A-C. GRCh37 (hg19) VCF-style: chr11-2591967-A-C.
Other names: p.K196T:AAG>ACG; c.587A>C, p.Lys196Thr (NM_001406836.1); c.317A>C, p.Lys106Thr (NM_001406837.1); c.206A>C, p.Lys69Thr (NM_181798.2); short protein forms K196T, K69T, K106T.
Identifiers: ClinVar variation 200816 (VCV000200816.12), dbSNP rs794728509, ClinGen allele CA007655.